The following is an entry in ClinVar:

NM_000180.4(GUCY2D):c.104G>T (p.Arg35Leu)

Gene: GUCY2D (guanylate cyclase 2D, retinal; plus strand). Cytogenetic location: 17p13.1.
Variant type: single nucleotide variant.
Coding change: c.104G>T on transcript NM_000180.4 (MANE Select); coding-DNA position 104, G replaced by T.
Protein change: p.Arg35Leu; replaces arginine 35 with leucine.
Molecular consequence: missense variant.
Genome position (GRCh38, 1-based): chr17:8,003,151, G>T. VCF-style: chr17-8003151-G-T. GRCh37 (hg19) VCF-style: chr17-7906469-G-T.
Other names: short protein forms R35L.
Identifiers: ClinVar variation 939791 (VCV000939791.9), dbSNP rs748156659, ClinGen allele CA397942749.
Genomic context (GRCh38, chr17:8,003,151, plus strand): 5'-GGCTCTGCGGTCCCGCGTGGTGGGCTCCGTCCCTGCCCCGCCTCCCCCGGGCCCTGCCCC[G>T]GCTCCCGCTCCTGCTGCTCCTGCTTCTGCTGCAGCCCCCCGCCCTCTCCGCCGTGTTCAC-3'
Protein context (NP_000171.1, residues 25-45): SLPRLPRALP[Arg35Leu]LPLLLLLLLL

ClinVar aggregate classification (germline): Uncertain significance (1 of 4 stars; one submission).

Conditions:
Cone-rod dystrophy 6 (CORD6). Also called: RETINAL CONE DYSTROPHY 2; Cone dystrophy progressive. Identifiers: Orphanet 1872, MedGen C1866293, MONDO:0011143, OMIM 601777.
Leber congenital amaurosis 1 (LCA1). Also called: RETINAL BLINDNESS, CONGENITAL; AMAUROSIS CONGENITA OF LEBER I; Congenital absence of the rods and cones; Leber's congenital tapetoretinal degeneration; Leber's congenital tapetoretinal dysplasia. Identifiers: Orphanet 65, MedGen C2931258, MONDO:0008764, OMIM 204000.

Allele frequency attached by ClinVar (database versions not stated): TOPMed below 0.00001.

Submission:

Labcorp Genetics (formerly Invitae), Labcorp
Classification: Uncertain significance for Leber congenital amaurosis 1; Cone-rod dystrophy 6. Last evaluated: 2022-06-04. Review status: criteria provided, single submitter. Criteria: Invitae Variant Classification Sherloc (09022015). Collection method: clinical testing. Allele origin: germline.
Comment: This sequence change replaces arginine, which is basic and polar, with leucine, which is neutral and non-polar, at codon 35 of the GUCY2D protein (p.Arg35Leu). This variant is not present in population databases (gnomAD no frequency). This missense change has been observed in individual(s) with clinical features of GUCY2D-related conditions (Invitae). ClinVar contains an entry for this variant (Variation ID: 939791). Algorithms developed to predict the effect of missense changes on protein structure and function (SIFT, PolyPhen-2, Align-GVGD) all suggest that this variant is likely to be tolerated. In summary, the available evidence is currently insufficient to determine the role of this variant in disease. Therefore, it has been classified as a Variant of Uncertain Significance.